The following is an entry in ClinVar:

ClinVar aggregate classification (germline): Uncertain significance (1 of 4 stars; one submission).

gnomAD v4.1: 1 of 1,211,582 alleles (0.000083%); no homozygotes.

Submission:

GeneDx
Classification: Uncertain significance. Last evaluated: 2023-05-09. Review status: criteria provided, single submitter. Criteria: GeneDx Variant Classification Process June 2021. Collection method: clinical testing. Allele origin: germline. Affected: yes.
Comment: Not observed at significant frequency in large population cohorts (gnomAD); In silico analysis supports that this missense variant has a deleterious effect on protein structure/function; Has not been previously published as pathogenic or benign to our knowledge

NM_001109878.2(TBX22):c.325G>A (p.Gly109Arg)

Gene: TBX22 (T-box transcription factor 22). Cytogenetic location: Xq21.1.
Variant type: single nucleotide variant.
Coding change: c.325G>A on transcript NM_001109878.2 (MANE Select); coding-DNA position 325, G replaced by A.
Protein change: p.Gly109Arg; replaces glycine 109 with arginine.
Molecular consequence: missense variant. On other transcripts: 5 prime UTR variant (2).
Genome position (GRCh38, 1-based): chrX:80,023,209, G>A. VCF-style: chrX-80023209-G-A. GRCh37 (hg19) VCF-style: chrX-79278708-G-A.
Other names: c.-32G>A (NM_001109879.2); c.-99G>A (NM_001303475.1); c.325G>A, p.Gly109Arg (NM_016954.2); short protein forms G109R.
Identifiers: ClinVar variation 2502136 (VCV002502136.1), dbSNP rs1379493336, ClinGen allele CA413739873.